The following is an entry in ClinVar:

NM_016507.4(CDK12):c.3839C>T (p.Pro1280Leu)

Gene: CDK12 (cyclin dependent kinase 12; plus strand). Cytogenetic location: 17q12.
Variant type: single nucleotide variant.
Coding change: c.3839C>T on transcript NM_016507.4 (MANE Select); coding-DNA position 3839, C replaced by T.
Protein change: p.Pro1280Leu; replaces proline 1280 with leucine.
Molecular consequence: missense variant.
Genome position (GRCh38, 1-based): chr17:39,530,682, C>T. VCF-style: chr17-39530682-C-T. GRCh37 (hg19) VCF-style: chr17-37686935-C-T.
Other names: c.3812C>T, p.Pro1271Leu (NM_015083.4); short protein forms P1271L, P1280L.
Identifiers: ClinVar variation 3052381 (VCV003052381.2), dbSNP rs148965508, ClinGen allele CA8531611.

ClinVar aggregate classification (germline): Likely benign (0 of 4 stars; one submission).

Conditions:
CDK12-related disorder. Also called: CDK12-related condition.

Allele frequency attached by ClinVar (database versions not stated): ExAC 0.00055; 1000 Genomes Project 0.00140; 1000 Genomes Project 30x 0.00141; ESP Exome Variant Server 0.00154; gnomAD 0.00172; TOPMed 0.00215.
gnomAD v4.1: 532 of 1,613,782 alleles (0.033%); highest among the groups gnomAD compares: African/African-American, 0.65%; no homozygotes.

Submission:

PreventionGenetics, part of Exact Sciences
Classification: Likely benign for CDK12-related condition. Last evaluated: 2020-01-02. Review status: no assertion criteria provided. Collection method: clinical testing. Allele origin: germline.
Comment: This variant is classified as likely benign based on ACMG/AMP sequence variant interpretation guidelines (Richards et al. 2015 PMID: 25741868, with internal and published modifications).